The following is an entry in ClinVar:

NM_001042492.3(NF1):c.6187_6190dup (p.Ser2064fs)

Gene: NF1 (neurofibromin 1; plus strand). Cytogenetic location: 17q11.2.
Variant type: Duplication.
Coding change: c.6187_6190dup on transcript NM_001042492.3 (MANE Select); coding-DNA positions 6187 to 6190, 4 bases duplicated (TTAT; older notation c.6187_6190dupTTAT).
Protein change: p.Ser2064fs; shifts the reading frame from serine 2064.
Molecular consequence: frameshift variant.
Genome position (GRCh38, 1-based): chr17:31,336,674-31,336,677, TTAT duplicated. VCF-style (leftmost placement, unchanged base first): chr17-31336673-C-CTTAT. GRCh37 (hg19) VCF-style: chr17-29663691-C-CTTAT.
Other names: c.6124_6127dup, p.Ser2043fs (NM_000267.4); short protein forms S2043fs, S2064fs.
Identifiers: ClinVar variation 4851886 (VCV004851886.1).

ClinVar aggregate classification (germline): Likely pathogenic (1 of 4 stars; one submission).

Submission:

Dasa
Classification: Likely pathogenic. Last evaluated: 2024-12-14. Review status: criteria provided, single submitter. Criteria: DASA Assertion Criteria. Collection method: clinical testing. Allele origin: germline.
Comment: NM_001042492.3(NF1):c.6187_6190dup (p.Ser2064Phefs*15) introduces a premature termination codon predicted to result in loss of normal protein function. Loss-of-function is an established mechanism of disease for this gene. The variant is present at low frequency in population datasets. Based on the available data, this variant is classified as likely pathogenic.